The following is an entry in ClinVar:

NM_032043.3(BRIP1):c.2172T>G (p.Ile724Met)

Gene: BRIP1 (BRCA1 interacting DNA helicase 1; minus strand). Cytogenetic location: 17q23.2.
Variant type: single nucleotide variant.
Coding change: c.2172T>G on transcript NM_032043.3 (MANE Select); coding-DNA position 2172, T replaced by G.
Protein change: p.Ile724Met; replaces isoleucine 724 with methionine.
Molecular consequence: missense variant.
Genome position (GRCh38, 1-based): chr17:61,744,517, A>C on the plus strand (T>G on the coding strand, the complement: BRIP1 is on the minus strand). VCF-style: chr17-61744517-A-C. GRCh37 (hg19) VCF-style: chr17-59821878-A-C.
Other names: short protein forms I724M.
Identifiers: ClinVar variation 852562 (VCV000852562.11), dbSNP rs777860588, ClinGen allele CA400483108.

ClinVar aggregate classification (germline): Uncertain significance. Review status: criteria provided, multiple submitters, no conflicts (2 of 4 stars). 2 submissions from 2 submitters: Uncertain significance (2). Last evaluated 2026-01-26.

Conditions:
Familial cancer of breast. Also called: Hereditary breast cancer; BREAST CANCER, FAMILIAL; hereditary breast carcinoma. Identifiers: Orphanet 227535, MedGen C0346153, MONDO:0016419, OMIM 114480. Disease mechanism: loss of function.
Fanconi anemia complementation group J. Also called: BRIP1-Related Fanconi Anemia. Identifiers: Orphanet 84, MedGen C1836860, MONDO:0012187, OMIM 609054.
Hereditary cancer-predisposing syndrome. Also called: Hereditary Cancer Syndrome; Tumor predisposition; Neoplastic Syndromes, Hereditary; Hereditary neoplastic syndrome. Identifiers: Orphanet 140162, MedGen C0027672, MeSH D009386, MONDO:0015356.

gnomAD v4.1: 1 of 1,613,872 alleles (0.000062%); highest among the groups gnomAD compares: Non-Finnish European, 0.000085%; no homozygotes.

Submissions (2):

Ambry Genetics
Classification: Uncertain significance for Hereditary cancer-predisposing syndrome. Last evaluated: 2026-01-26. Review status: criteria provided, single submitter. Criteria: Ambry Variant Classification Scheme 2023. Collection method: clinical testing. Allele origin: germline.
Comment: The p.I724M variant (also known as c.2172T>G), located in coding exon 14 of the BRIP1 gene, results from a T to G substitution at nucleotide position 2172. The isoleucine at codon 724 is replaced by methionine, an amino acid with highly similar properties. This amino acid position is highly conserved in available vertebrate species. In addition, the in silico prediction for this alteration is inconclusive. Based on the available evidence, the clinical significance of this variant remains unclear.

Labcorp Genetics (formerly Invitae), Labcorp
Classification: Uncertain significance for Familial cancer of breast; Fanconi anemia complementation group J. Last evaluated: 2019-11-27. Review status: criteria provided, single submitter. Criteria: Invitae Variant Classification Sherloc (09022015). Collection method: clinical testing. Allele origin: germline.
Comment: In summary, the available evidence is currently insufficient to determine the role of this variant in disease. Therefore, it has been classified as a Variant of Uncertain Significance. Algorithms developed to predict the effect of missense changes on protein structure and function are either unavailable or do not agree on the potential impact of this missense change (SIFT: "Deleterious"; PolyPhen-2: "Probably Damaging"; Align-GVGD: "Class C0"). This variant has not been reported in the literature in individuals with BRIP1-related conditions. This variant is not present in population databases (ExAC no frequency). This sequence change replaces isoleucine with methionine at codon 724 of the BRIP1 protein (p.Ile724Met). The isoleucine residue is highly conserved and there is a small physicochemical difference between isoleucine and methionine.